The following is an entry in ClinVar:

NM_031885.5(BBS2):c.963G>A (p.Thr321=)

Gene: BBS2 (Bardet-Biedl syndrome 2; minus strand). Cytogenetic location: 16q13.
Variant type: single nucleotide variant.
Coding change: c.963G>A on transcript NM_031885.5 (MANE Select); coding-DNA position 963, G replaced by A.
Protein change: p.Thr321=; no amino-acid change (threonine 321 retained).
Molecular consequence: synonymous variant. On other transcripts: non-coding transcript variant (5).
Genome position (GRCh38, 1-based): chr16:56,502,434, C>T on the plus strand (G>A on the coding strand, the complement: BBS2 is on the minus strand). VCF-style: chr16-56502434-C-T. GRCh37 (hg19) VCF-style: chr16-56536346-C-T.
Other names: c.963G>A, p.Thr321= (NM_001377456.1); c.963G>A (NM_031885.3).
Identifiers: ClinVar variation 1383856 (VCV001383856.9), dbSNP rs748014865, ClinGen allele CA8065855.

ClinVar aggregate classification (germline): Conflicting classifications of pathogenicity. Review status: criteria provided, conflicting classifications (1 of 4 stars). 3 submissions from 3 submitters: Uncertain significance (1); Likely benign (1). 1 of the submissions does not count toward it. Last evaluated 2025-04-16.

Conditions:
BBS2-related disorder. Also called: BBS2-related disorders; BBS2-related condition. Identifiers: MedGen CN239228.
Bardet-Biedl syndrome (BBS). Identifiers: Orphanet 110, MedGen C0752166, MONDO:0015229.
Retinitis pigmentosa 74 (RP74). Identifiers: Orphanet 791, MedGen C4225281, MONDO:0014692, OMIM 616562.
Bardet-Biedl syndrome 2 (BBS2). Identifiers: Orphanet 110, MedGen C2936863, MONDO:0014432, OMIM 615981.

Allele frequency attached by ClinVar (database versions not stated): ExAC 0.00001; gnomAD exomes 0.00001 and 0.00004; TOPMed 0.00001.
gnomAD v4.1: 58 of 1,614,202 alleles (0.0036%); highest among the groups gnomAD compares: Non-Finnish European, 0.0047%; no homozygotes.

Submissions (3):

Labcorp Genetics (formerly Invitae), Labcorp
Classification: Likely benign for Bardet-Biedl syndrome. Last evaluated: 2025-04-16. Review status: criteria provided, single submitter. Criteria: Invitae Variant Classification Sherloc (09022015). Collection method: clinical testing. Allele origin: germline.

Fulgent Genetics
Classification: Uncertain significance for Bardet-Biedl syndrome 2; Retinitis pigmentosa 74. Last evaluated: 2024-03-14. Review status: criteria provided, single submitter. Criteria: ACMG Guidelines, 2015. Collection method: clinical testing. Allele origin: germline.

PreventionGenetics, part of Exact Sciences
Classification: Likely benign for BBS2-related condition. Last evaluated: 2023-12-20. Review status: no assertion criteria provided. Collection method: clinical testing. Allele origin: germline. Not counted in ClinVar's aggregate classification.
Comment: This variant is classified as likely benign based on ACMG/AMP sequence variant interpretation guidelines (Richards et al. 2015 PMID: 25741868, with internal and published modifications).